The following is an entry in ClinVar:

NM_025179.4(PLXNA2):c.1219C>T (p.Leu407=)

Gene: PLXNA2 (plexin A2; minus strand). Cytogenetic location: 1q32.2.
Variant type: single nucleotide variant.
Coding change: c.1219C>T on transcript NM_025179.4 (MANE Select); coding-DNA position 1219, C replaced by T.
Protein change: p.Leu407=; no amino-acid change (leucine 407 retained).
Molecular consequence: synonymous variant.
Genome position (GRCh38, 1-based): chr1:208,210,432, G>A on the plus strand (C>T on the coding strand, the complement: PLXNA2 is on the minus strand). VCF-style: chr1-208210432-G-A. GRCh37 (hg19) VCF-style: chr1-208383777-G-A.
Identifiers: ClinVar variation 3048950 (VCV003048950.2), dbSNP rs367627640, ClinGen allele CA1373934.

ClinVar aggregate classification (germline): Likely benign (0 of 4 stars; one submission).

Conditions:
PLXNA2-related disorder. Also called: PLXNA2-related condition.

Allele frequency attached by ClinVar (database versions not stated): ExAC 0.00005; gnomAD exomes 0.00008; gnomAD 0.00010; TOPMed 0.00011; ESP Exome Variant Server 0.00015.

Submission:

PreventionGenetics, part of Exact Sciences
Classification: Likely benign for PLXNA2-related condition. Last evaluated: 2022-09-08. Review status: no assertion criteria provided. Collection method: clinical testing. Allele origin: germline.
Comment: This variant is classified as likely benign based on ACMG/AMP sequence variant interpretation guidelines (Richards et al. 2015 PMID: 25741868, with internal and published modifications).